The following is an entry in ClinVar:

ClinVar aggregate classification (germline): Likely pathogenic (1 of 4 stars; one submission).

Conditions:
Mitochondrial complex I deficiency, nuclear type 16. Also called: Mitochondrial complex 1 deficiency, nuclear type 16. Identifiers: MedGen C4748785, MONDO:0032621, OMIM 618238.

Submission:

Laboratorio de Genetica e Diagnostico Molecular, Hospital Israelita Albert Einstein
Classification: Likely pathogenic for Mitochondrial complex I deficiency, nuclear type 16. Last evaluated: 2022-12-30. Review status: criteria provided, single submitter. Criteria: ACMG Guidelines, 2015. Collection method: clinical testing. Allele origin: germline. Affected: yes. Observed: 1 variant allele.
Comment: ACMG classification criteria: PVS1 very strong, PM2 moderated

NM_024120.5(NDUFAF5):c.679del (p.His227fs)

Gene: NDUFAF5 (NADH:ubiquinone oxidoreductase complex assembly factor 5; plus strand). Cytogenetic location: 20p12.1.
Variant type: Deletion.
Coding change: c.679del on transcript NM_024120.5 (MANE Select); coding-DNA position 679, one base deleted (C; older notation c.679delC).
Protein change: p.His227fs; shifts the reading frame from histidine 227.
Molecular consequence: frameshift variant. On other transcripts: non-coding transcript variant (7).
Genome position (GRCh38, 1-based): chr20:13,801,645, C deleted. VCF-style (leftmost placement, unchanged base first): chr20-13801644-AC-A. GRCh37 (hg19) VCF-style: chr20-13782290-AC-A.
Other names: c.595del, p.His199fs (NM_001039375.3); c.208del, p.His70fs (NM_001352403.2); c.118del, p.His40fs (NM_001352406.2, NM_001352407.2); c.679del, p.His227fs (NM_001352408.2); short protein forms H199fs, H227fs, H40fs, H70fs.
Identifiers: ClinVar variation 2431719 (VCV002431719.1), dbSNP rs2516188649, ClinGen allele CA2580097890.